The following is an entry in ClinVar:

NM_001134831.2(AHI1):c.404del (p.Gln135fs)

Gene: AHI1 (Abelson helper integration site 1; minus strand). Cytogenetic location: 6q23.3.
Variant type: Deletion.
Coding change: c.404del on transcript NM_001134831.2 (MANE Select); coding-DNA position 404, one base deleted (A; older notation c.404delA).
Protein change: p.Gln135fs; shifts the reading frame from glutamine 135.
Molecular consequence: frameshift variant.
Genome position (GRCh38, 1-based): chr6:135,466,159, T deleted on the plus strand (A on the coding strand, the reverse complement: AHI1 is on the minus strand). VCF-style (leftmost placement, unchanged base first): chr6-135466158-CT-C. GRCh37 (hg19) VCF-style: chr6-135787296-CT-C.
Other names: c.404del, p.Gln135fs (NM_001134830.2, NM_001134832.2, NM_001350503.2 and 2 more transcripts); short protein forms Q135fs.
Identifiers: ClinVar variation 2797600 (VCV002797600.3), dbSNP rs2485019127, ClinGen allele CA2739266166.
Genomic context (GRCh38, chr6:135,466,158, plus strand): 5'-CTGGTGTGTAGAATCAACCTTATTCTCAGGAGTTTCCGGTTTCAGGTCTTGTGTAGTCAA[CT>C]GGGGCACCGTCTTTATCACCTTTTTATTTGGCTTTCCTTGTTTGTCTTCCTCTACACTAG-3'

ClinVar aggregate classification (germline): Pathogenic (1 of 4 stars; one submission).

Conditions:
Joubert syndrome. Also called: CEREBELLOPARENCHYMAL DISORDER IV; JOUBERT-BOLTSHAUSER SYNDROME; Familial aplasia of the vermis. Identifiers: Orphanet 475, MedGen C5979921, MONDO:0018772.

Submission:

Labcorp Genetics (formerly Invitae), Labcorp
Classification: Pathogenic for Joubert syndrome. Last evaluated: 2023-11-14. Review status: criteria provided, single submitter. Criteria: Invitae Variant Classification Sherloc (09022015). Collection method: clinical testing. Allele origin: germline.
Comment: This sequence change creates a premature translational stop signal (p.Gln135Argfs*2) in the AHI1 gene. It is expected to result in an absent or disrupted protein product. Loss-of-function variants in AHI1 are known to be pathogenic (PMID: 15322546, 16453322, 28442542, 29186038). This variant is not present in population databases (gnomAD no frequency). This variant has not been reported in the literature in individuals affected with AHI1-related conditions. For these reasons, this variant has been classified as Pathogenic.

Literature cited by the submitters: PubMed 15322546; PubMed 16453322; PubMed 28442542; PubMed 29186038.